The following is an entry in ClinVar:

NM_003482.4(KMT2D):c.9824dup (p.Gln3276fs)

Gene: KMT2D (lysine methyltransferase 2D; minus strand). Cytogenetic location: 12q13.12.
Variant type: Duplication.
Coding change: c.9824dup on transcript NM_003482.4 (MANE Select); coding-DNA position 9824, one base duplicated (A; older notation c.9824dupA).
Protein change: p.Gln3276fs; shifts the reading frame from glutamine 3276.
Molecular consequence: frameshift variant.
Genome position (GRCh38, 1-based): chr12:49,037,532, T duplicated on the plus strand (A on the coding strand, the reverse complement: KMT2D is on the minus strand). VCF-style (leftmost placement, unchanged base first): chr12-49037531-C-CT. GRCh37 (hg19) VCF-style: chr12-49431314-C-CT.
Other names: short protein forms Q3276fs.
Identifiers: ClinVar variation 1453366 (VCV001453366.6), dbSNP rs2120481036, ClinGen allele CA2573148685.

ClinVar aggregate classification (germline): Pathogenic (1 of 4 stars; one submission).

Conditions:
Kabuki syndrome. Also called: Kabuki make-up syndrome; NIIKAWA-KUROKI SYNDROME. Identifiers: Orphanet 2322, MedGen C0796004, MONDO:0016512.

Submission:

Labcorp Genetics (formerly Invitae), Labcorp
Classification: Pathogenic for Kabuki syndrome. Last evaluated: 2021-07-26. Review status: criteria provided, single submitter. Criteria: Invitae Variant Classification Sherloc (09022015). Collection method: clinical testing. Allele origin: germline.
Comment: This variant has not been reported in the literature in individuals affected with KMT2D-related conditions. This variant is not present in population databases (ExAC no frequency). This sequence change creates a premature translational stop signal (p.Gln3276Alafs*25) in the KMT2D gene. It is expected to result in an absent or disrupted protein product. Loss-of-function variants in KMT2D are known to be pathogenic (PMID: 22126750). For these reasons, this variant has been classified as Pathogenic.

Literature cited by the submitters: PubMed 22126750.